The following is an entry in ClinVar:

NM_001378452.1(ITPR1):c.3100G>A (p.Val1034Ile)

Gene: ITPR1 (inositol 1,4,5-trisphosphate receptor type 1; plus strand). Cytogenetic location: 3p26.1.
Variant type: single nucleotide variant.
Coding change: c.3100G>A on transcript NM_001378452.1 (MANE Select); coding-DNA position 3100, G replaced by A.
Protein change: p.Val1034Ile; replaces valine 1034 with isoleucine.
Molecular consequence: missense variant.
Genome position (GRCh38, 1-based): chr3:4,680,685, G>A. VCF-style: chr3-4680685-G-A. GRCh37 (hg19) VCF-style: chr3-4722369-G-A.
Other names: c.3028G>A (NM_002222.5); c.3073G>A, p.Val1025Ile (NM_001099952.4); c.3055G>A, p.Val1019Ile (NM_001168272.2); c.3028G>A, p.Val1010Ile (NM_002222.7); short protein forms V1010I, V1025I, V1019I, V1034I.
Identifiers: ClinVar variation 3670994 (VCV003670994.3).

ClinVar aggregate classification (germline): Uncertain significance. Review status: criteria provided, multiple submitters, no conflicts (2 of 4 stars). 2 submissions from 2 submitters: Uncertain significance (2). Last evaluated 2025-08-27.

Conditions:
Inborn genetic diseases. Identifiers: MedGen C0950123, MeSH D030342.

gnomAD v4.1: 3 of 1,610,206 alleles (0.00019%); highest among the groups gnomAD compares: Non-Finnish European, 0.00025%; no homozygotes.

Submissions (2):

Ambry Genetics
Classification: Uncertain significance for Inborn genetic diseases. Last evaluated: 2025-08-27. Review status: criteria provided, single submitter. Criteria: Ambry Variant Classification Scheme 2023. Collection method: clinical testing. Allele origin: germline.

Labcorp Genetics (formerly Invitae), Labcorp
Classification: Uncertain significance. Last evaluated: 2024-11-13. Review status: criteria provided, single submitter. Criteria: Invitae Variant Classification Sherloc (09022015). Collection method: clinical testing. Allele origin: germline.
Comment: This sequence change replaces valine, which is neutral and non-polar, with isoleucine, which is neutral and non-polar, at codon 1010 of the ITPR1 protein (p.Val1010Ile). This variant is present in population databases (no rsID available, gnomAD 0.0009%). This variant has not been reported in the literature in individuals affected with ITPR1-related conditions. Invitae Evidence Modeling of protein sequence and biophysical properties (such as structural, functional, and spatial information, amino acid conservation, physicochemical variation, residue mobility, and thermodynamic stability) indicates that this missense variant is not expected to disrupt ITPR1 protein function with a negative predictive value of 95%. In summary, the available evidence is currently insufficient to determine the role of this variant in disease. Therefore, it has been classified as a Variant of Uncertain Significance.